The following is an entry in ClinVar:

NM_007294.4(BRCA1):c.5535C>G (p.Tyr1845Ter)

Gene: BRCA1 (BRCA1 DNA repair associated; minus strand). Cytogenetic location: 17q21.31.
Variant type: single nucleotide variant.
Coding change: c.5535C>G on transcript NM_007294.4 (MANE Select); coding-DNA position 5535, C replaced by G.
Protein change: p.Tyr1845Ter; replaces tyrosine 1845 with a stop codon.
Molecular consequence: nonsense. On other transcripts: 3 prime UTR variant (1), non-coding transcript variant (1).
Genome position (GRCh38, 1-based): chr17:43,045,735, G>C on the plus strand (C>G on the coding strand, the complement: BRCA1 is on the minus strand). VCF-style: chr17-43045735-G-C. GRCh37 (hg19) VCF-style: chr17-41197752-G-C.
Other names: 5654C>G; c.5322C>G, p.Tyr1774Ter (NM_001407571.1, NM_001407902.1, NM_001407904.1 and 12 more transcripts); c.5601C>G, p.Tyr1867Ter (NM_001407581.1, NM_001407582.1); c.5598C>G, p.Tyr1866Ter (NM_001407583.1, NM_001407585.1, NM_001407587.1 and 1 more transcripts); c.5532C>G, p.Tyr1844Ter (NM_001407610.1, NM_001407611.1, NM_001407612.1 and 14 more transcripts); c.5529C>G, p.Tyr1843Ter (NM_001407629.1, NM_001407630.1, NM_001407631.1 and 13 more transcripts); c.5475C>G, p.Tyr1825Ter (NM_001407649.1); c.5457C>G, p.Tyr1819Ter (NM_001407652.1, NM_001407653.1, NM_001407654.1 and 1 more transcripts); and 75 more; short protein forms Y1845*, Y1798*, Y741*, Y1866*, Y1676*, Y1717*, Y1761*, Y1797*.
Identifiers: ClinVar variation 266559 (VCV000266559.8), dbSNP rs80356977, ClinGen allele CA10589585.

ClinVar aggregate classification (germline): Pathogenic. Review status: reviewed by expert panel (3 of 4 stars). 2 submissions from 2 submitters: Pathogenic (1). 1 of the submissions does not count toward it. Last evaluated 2016-10-18.

Conditions:
Breast-ovarian cancer, familial, susceptibility to, 1 (BROVCA1). Also called: BRCA1 Hereditary Breast and Ovarian Cancer; OVARIAN CANCER, SUSCEPTIBILITY TO. Identifiers: Orphanet 145, MedGen C2676676, MONDO:0011450, OMIM 604370. Disease mechanism: loss of function.

Submissions (3):

Evidence-based Network for the Interpretation of Germline Mutant Alleles (ENIGMA)
Classification: Pathogenic for Breast-ovarian cancer, familial, susceptibility to, 1. Last evaluated: 2016-10-18. Review status: reviewed by expert panel. Criteria: ENIGMA BRCA1/2 Classification Criteria (2015). Collection method: curation. Allele origin: germline.
Comment: Variant allele predicted to encode a truncated non-functional protein.

Consortium of Investigators of Modifiers of BRCA1/2 (CIMBA), c/o University of Cambridge
Classification: Pathogenic for Breast-ovarian cancer, familial, susceptibility to, 1. Last evaluated: 2015-10-02. Review status: criteria provided, single submitter. Criteria: CIMBA Mutation Classification guidelines May 2016. Collection method: clinical testing. Allele origin: germline. Not counted in ClinVar's aggregate classification.

Brotman Baty Institute, University of Washington
No classification provided (evidence only). Condition: Breast-ovarian cancer, familial 1. Review status: no classification provided. Collection method: in vitro. Allele origin: not applicable. Functional consequence: functionally_abnormal. Not counted in ClinVar's aggregate classification.
ClinVar note: "not provided" was previously submitted as the classification for the variant. However, the classification appeared to be based only on an observation of functional data so it was converted to no classification on 2025-07-30.